The following is an entry in ClinVar:

ClinVar aggregate classification (germline): Uncertain significance. Review status: criteria provided, multiple submitters, no conflicts (2 of 4 stars). 2 submissions from 2 submitters: Uncertain significance (2). Last evaluated 2022-09-06.

Conditions:
Hypogonadotropic hypogonadism 2 with or without anosmia (HH2). Also called: HYPOGONADOTROPIC HYPOGONADISM 2 WITHOUT ANOSMIA; FGFR1-Related GnRH Deficiency (Kallmann Syndrome 2); HYPOGONADOTROPIC HYPOGONADISM 2 WITH OR WITHOUT ANOSMIA, SUSCEPTIBILITY TO; HYPOGONADOTROPIC HYPOGONADISM 2 WITHOUT ANOSMIA, SUSCEPTIBILITY TO. Identifiers: Orphanet 478, MedGen C1563720, MONDO:0007844, OMIM 147950. Disease mechanism: loss of function.
Pfeiffer syndrome (ACS5). Also called: ACS V. Identifiers: Orphanet 710, MedGen C0220658, MONDO:0007043, OMIM 101600.

Allele frequency attached by ClinVar (database versions not stated): gnomAD exomes below 0.00001.
gnomAD v4.1: 5 of 1,613,952 alleles (0.00031%); highest among the groups gnomAD compares: Admixed American, 0.0017%; no homozygotes.

Submissions (2):

Labcorp Genetics (formerly Invitae), Labcorp
Classification: Uncertain significance for Pfeiffer syndrome; Hypogonadotropic hypogonadism 2 with or without anosmia. Last evaluated: 2022-09-06. Review status: criteria provided, single submitter. Criteria: Invitae Variant Classification Sherloc (09022015). Collection method: clinical testing. Allele origin: germline.
Comment: This sequence change replaces arginine, which is basic and polar, with tryptophan, which is neutral and slightly polar, at codon 58 of the FGFR1 protein (p.Arg58Trp). In summary, the available evidence is currently insufficient to determine the role of this variant in disease. Therefore, it has been classified as a Variant of Uncertain Significance. Algorithms developed to predict the effect of missense changes on protein structure and function are either unavailable or do not agree on the potential impact of this missense change (SIFT: "Deleterious"; PolyPhen-2: "Probably Damaging"; Align-GVGD: "Class C0"). ClinVar contains an entry for this variant (Variation ID: 1310981). This variant has not been reported in the literature in individuals affected with FGFR1-related conditions. The frequency data for this variant in the population databases is considered unreliable, as metrics indicate poor data quality at this position in the gnomAD database.

GeneDx
Classification: Uncertain significance. Last evaluated: 2019-12-12. Review status: criteria provided, single submitter. Criteria: GeneDx Variant Classification Process June 2021. Collection method: clinical testing. Allele origin: germline. Affected: yes.
Comment: Not observed at a significant frequency in large population cohorts (Lek et al., 2016); In silico analysis, which includes protein predictors and evolutionary conservation, supports a deleterious effect; Has not been previously published as pathogenic or benign to our knowledge

NM_023110.3(FGFR1):c.172C>T (p.Arg58Trp)

Gene: FGFR1 (fibroblast growth factor receptor 1; minus strand). Cytogenetic location: 8p11.23.
Variant type: single nucleotide variant.
Coding change: c.172C>T on transcript NM_023110.3 (MANE Select); coding-DNA position 172, C replaced by T.
Protein change: p.Arg58Trp; replaces arginine 58 with tryptophan.
Molecular consequence: missense variant. On other transcripts: intron variant (5).
Genome position (GRCh38, 1-based): chr8:38,429,868, G>A on the plus strand (C>T on the coding strand, the complement: FGFR1 is on the minus strand). VCF-style: chr8-38429868-G-A. GRCh37 (hg19) VCF-style: chr8-38287386-G-A.
Other names: c.172C>T, p.Arg58Trp (NM_001174063.2, NM_001174065.2, NM_001354367.2 and 2 more transcripts); c.148C>T, p.Arg50Trp (NM_001174064.2); c.271C>T, p.Arg91Trp (NM_001174067.2); c.92-1433C>T (NM_001354368.2, NM_001354370.2, NM_023106.3 and 2 more transcripts); short protein forms R50W, R58W, R91W.
Identifiers: ClinVar variation 1310981 (VCV001310981.6), dbSNP rs1162148796, ClinGen allele CA370736505.